The following is an entry in ClinVar:

NM_001349253.2(SCN11A):c.2660T>A (p.Met887Lys)

Gene: SCN11A (sodium voltage-gated channel alpha subunit 11; minus strand). Cytogenetic location: 3p22.2.
Variant type: single nucleotide variant.
Coding change: c.2660T>A on transcript NM_001349253.2 (MANE Select); coding-DNA position 2660, T replaced by A.
Protein change: p.Met887Lys; replaces methionine 887 with lysine.
Molecular consequence: missense variant.
Genome position (GRCh38, 1-based): chr3:38,894,708, A>T on the plus strand (T>A on the coding strand, the complement: SCN11A is on the minus strand). VCF-style: chr3-38894708-A-T. GRCh37 (hg19) VCF-style: chr3-38936199-A-T.
Other names: c.2660T>A, p.Met887Lys (NM_014139.3); short protein forms M887K.
Identifiers: ClinVar variation 1467658 (VCV001467658.8), dbSNP rs191848890, ClinGen allele CA352174654.

ClinVar aggregate classification (germline): Uncertain significance (1 of 4 stars; one submission).

Conditions:
Hereditary sensory and autonomic neuropathy type 7. Also called: Neuropathy, hereditary sensory and autonomic, type VII; HSAN VII. Identifiers: Orphanet 391397, MedGen C3809882, MONDO:0014244, OMIM 615548.
Familial episodic pain syndrome with predominantly lower limb involvement. Also called: Episodic pain syndrome, familial, 3. Identifiers: Orphanet 391384, Orphanet 391392, MedGen C3809899, MONDO:0014247, OMIM 615552.

Submission:

Labcorp Genetics (formerly Invitae), Labcorp
Classification: Uncertain significance for Familial episodic pain syndrome with predominantly lower limb involvement; Hereditary sensory and autonomic neuropathy type 7. Last evaluated: 2020-12-06. Review status: criteria provided, single submitter. Criteria: Invitae Variant Classification Sherloc (09022015). Collection method: clinical testing. Allele origin: germline.
Comment: This variant has not been reported in the literature in individuals with SCN11A-related conditions. This sequence change replaces methionine with lysine at codon 887 of the SCN11A protein (p.Met887Lys). The methionine residue is weakly conserved and there is a moderate physicochemical difference between methionine and lysine. This variant is not present in population databases (ExAC no frequency). Algorithms developed to predict the effect of missense changes on protein structure and function output the following: SIFT: "Tolerated"; PolyPhen-2: "Benign"; Align-GVGD: "Class C0". The lysine amino acid residue is found in multiple mammalian species, suggesting that this missense change does not adversely affect protein function. These predictions have not been confirmed by published functional studies and their clinical significance is uncertain. In summary, the available evidence is currently insufficient to determine the role of this variant in disease. Therefore, it has been classified as a Variant of Uncertain Significance.